The following is an entry in ClinVar:

NM_001277115.2(DNAH11):c.-159_346delinsGGCGCCCCG (p.Met1fs)

Gene: DNAH11 (dynein axonemal heavy chain 11; plus strand). Cytogenetic location: 7p15.3.
Variant type: Indel.
Coding change: c.-159_346delinsGGCGCCCCG on transcript NM_001277115.2 (MANE Select); 159 bases upstream of the start codon through coding-DNA position 346, the reference bases replaced by GGCGCCCCG.
Protein change: p.Met1fs; shifts the reading frame from methionine 1.
Molecular consequence: frameshift variant, initiator codon variant.
Genome position (GRCh38, 1-based): chr7:21,543,087-21,543,591, 505 bases replaced. GRCh37 (hg19): chr7:21,582,705-21,583,209.
Other names: short protein forms M1fs.
Identifiers: ClinVar variation 2855244 (VCV002855244.3), dbSNP rs2534407745, ClinGen allele CA2739266287.

ClinVar aggregate classification (germline): Pathogenic (1 of 4 stars; one submission).

Conditions:
Primary ciliary dyskinesia. Also called: Ciliary dyskinesia. Identifiers: Orphanet 244, MedGen C0008780, MONDO:0016575, HP:0012265.

Submission:

Labcorp Genetics (formerly Invitae), Labcorp
Classification: Pathogenic for Primary ciliary dyskinesia. Last evaluated: 2024-03-24. Review status: criteria provided, single submitter. Criteria: Invitae Variant Classification Sherloc (09022015). Collection method: clinical testing. Allele origin: germline.
Comment: This variant results in the deletion of part of exon 1 (c.-159_346delinsGGCGCCCCG) of the DNAH11 gene. It is expected to result in an absent or disrupted protein product. Loss-of-function variants in DNAH11 are known to be pathogenic (PMID: 18022865, 20513915, 22184204). This variant has not been reported in the literature in individuals affected with DNAH11-related conditions. For these reasons, this variant has been classified as Pathogenic.

Literature cited by the submitters: PubMed 18022865; PubMed 20513915; PubMed 22184204.